The following is an entry in ClinVar:

ClinVar aggregate classification (germline): Likely benign. Review status: criteria provided, multiple submitters, no conflicts (2 of 4 stars). 2 submissions from 2 submitters: Likely benign (2). Last evaluated 2025-12-03.

Conditions:
Ullrich congenital muscular dystrophy 2 (UCMD2). Identifiers: Orphanet 75840, MedGen C4225314, MONDO:0014654, OMIM 616470.
Bethlem myopathy 2 (BTHLM2). Identifiers: Orphanet 536516, Orphanet 610, MedGen C4225313, MONDO:0034022, OMIM 616471.

Allele frequency attached by ClinVar (database versions not stated): TOPMed 0.00004; ExAC 0.00001; gnomAD exomes 0.00001.
gnomAD v4.1: 46 of 1,560,680 alleles (0.0029%); highest among the groups gnomAD compares: South Asian, 0.0049%; no homozygotes.

Submissions (2):

Labcorp Genetics (formerly Invitae), Labcorp
Classification: Likely benign for Bethlem myopathy 2; Ullrich congenital muscular dystrophy 2. Last evaluated: 2025-12-03. Review status: criteria provided, single submitter. Criteria: Invitae Variant Classification Sherloc (09022015). Collection method: clinical testing. Allele origin: germline.

Mayo Clinic Laboratories, Mayo Clinic
Classification: Likely benign. Last evaluated: 2025-02-11. Review status: criteria provided, single submitter. Criteria: ACMG Guidelines, 2015. Collection method: clinical testing. Allele origin: germline. Observed: 1 variant allele.
Comment: BP4, BP7

NM_004370.6(COL12A1):c.7884C>T (p.Gly2628=)

Gene: COL12A1 (collagen type XII alpha 1 chain; minus strand). Cytogenetic location: 6q13.
Variant type: single nucleotide variant.
Coding change: c.7884C>T on transcript NM_004370.6 (MANE Select); coding-DNA position 7884, C replaced by T.
Protein change: p.Gly2628=; no amino-acid change (glycine 2628 retained).
Molecular consequence: synonymous variant.
Genome position (GRCh38, 1-based): chr6:75,113,270, G>A on the plus strand (C>T on the coding strand, the complement: COL12A1 is on the minus strand). VCF-style: chr6-75113270-G-A. GRCh37 (hg19) VCF-style: chr6-75822986-G-A.
Other names: p.Gly2628=; c.4392C>T, p.Gly1464= (NM_080645.3).
Identifiers: ClinVar variation 1010233 (VCV001010233.8), dbSNP rs747657598, ClinGen allele CA3892435.